The following is an entry in ClinVar:

NM_000540.3(RYR1):c.7124G>C (p.Gly2375Ala)

Gene: RYR1 (ryanodine receptor 1; plus strand). Cytogenetic location: 19q13.2.
Variant type: single nucleotide variant.
Coding change: c.7124G>C on transcript NM_000540.3 (MANE Select); coding-DNA position 7124, G replaced by C.
Protein change: p.Gly2375Ala; replaces glycine 2375 with alanine.
Molecular consequence: missense variant.
Genome position (GRCh38, 1-based): chr19:38,499,731, G>C. VCF-style: chr19-38499731-G-C. GRCh37 (hg19) VCF-style: chr19-38990371-G-C.
Other names: NM_000540.3(RYR1):c.7124G>C; p.Gly2375Ala; c.7124G>C, p.Gly2375Ala (NM_001042723.2); short protein forms G2375A.
Identifiers: ClinVar variation 133189 (VCV000133189.6), dbSNP rs193922807, ClinGen allele CA024718.

ClinVar aggregate classification (germline): Pathogenic; drug response. Review status: reviewed by expert panel (3 of 4 stars). 9 submissions from 3 submitters: Pathogenic (1). 1 of the submissions does not count toward it. Last evaluated 2022-07-11.

Conditions:
Malignant hyperthermia, susceptibility to, 1 (MHS1). Also called: RYR1-Related Malignant Hyperthermia Susceptibility; Malignant hyperthermia suceptibility 1; Anesthesia related hyperthermia; Malignant hyperpyrexia; Fulminating hyperpyrexia; Pharmacogenic myopathy. Identifiers: Orphanet 423, MedGen C2930980, MONDO:0007783, OMIM 145600.
succinylcholine response - Toxicity.
sevoflurane response - Toxicity.
methoxyflurane response - Toxicity.
isoflurane response - Toxicity.
halothane response - Toxicity.
enflurane response - Toxicity.
desflurane response - Toxicity.

Submissions (9):

ClinGen Malignant Hyperthermia Susceptibility Variant Curation Expert Panel, ClinGen
Classification: Pathogenic for Malignant hyperthermia, susceptibility to, 1. Last evaluated: 2022-07-11. Review status: reviewed by expert panel. Criteria: ClinGen MHS ACMG Specifications V2. Collection method: curation. Allele origin: germline. Inheritance: Autosomal dominant inheritance.
Comment: This pathogenicity assessment is relevant only for malignant hyperthermia susceptibility (MHS) inherited in an autosomal dominant pattern. Variants in RYR1 can also cause other myopathies inherited in an autosomal dominant pattern or in an autosomal recessive pattern. Some of these disorders may predispose individuals to malignant hyperthermia. RYR1 variants may also contribute to a malignant hyperthermia reaction in combination with other genetic and non-genetic factors and the clinician needs to consider such factors in making management decisions. This sequence variant predicts a substitution of glycine with alanine at codon 2375 of the RYR1 protein, p.(Gly2375Ala). This variant was not present in a large population database (gnomAD) at the time this variant was interpreted. This variant has been reported in five unrelated individuals who have a personal or family history of a malignant hyperthermia reaction, four of these individuals had a positive in vitro contracture test (IVCT) or caffeine halothane contracture test (CHCT) result (if the proband was unavailable for testing, a positive diagnostic test result in a mutation-positive relative was counted), PS4_Moderate (PMID: 12434264, 24433488, 25268394). This variant segregates with MHS in six individuals, PP1_Moderate (PMID:12434264, 14641996). Functional studies in HEK293 cells and patient myotubes showed an increased sensitivity to RYR1 agonists, PS3_Moderate (PMID: 27586648, 15210166). This variant resides in a region of RYR1 considered to be a hotspot for pathogenic variants that contribute to MHS, PM1 (PMID: 21118704). A REVEL score >0.85 (0.905) supports a pathogenic status for this variant, PP3_Moderate. This variant has been classified as Pathogenic. Criteria implemented: PS3_Moderate, PS4_Moderate, PM1, PP1_Moderate, PP3_Moderate.

ClinPGx
Classification: drug response for desflurane response - Toxicity. Last evaluated: 2021-03-24. Review status: reviewed by expert panel. Criteria: Pharmacogenomics knowledge for personalized medicine. Collection method: curation. Allele origin: germline. Affected: yes.
Comment: PharmGKB Level of Evidence 1A: Level 1A clinical annotations describe variant-drug combinations that have variant-specific prescribing guidance available in a current clinical guideline annotation or an FDA-approved drug label annotation. Annotations of drug labels or clinical guidelines must give prescribing guidance for specific variants (e.g. CYP2C9*3, HLA-B*57:01) or provide mapping from defined allele functions to diplotypes and phenotypes to be used as supporting evidence for a level 1A clinical annotation. Level 1A clinical annotations must also be supported by at least one publication in addition to a clinical guideline or drug label with variant-specific prescribing guidance.

Drug is not necessarily used to treat response condition

ClinPGx
Classification: drug response for enflurane response - Toxicity. Last evaluated: 2021-03-24. Review status: reviewed by expert panel. Criteria: Pharmacogenomics knowledge for personalized medicine. Collection method: curation. Allele origin: germline. Affected: yes.
Comment: the same text as in the submission from ClinPGx above.

ClinPGx
Classification: drug response for halothane response - Toxicity. Last evaluated: 2021-03-24. Review status: reviewed by expert panel. Criteria: Pharmacogenomics knowledge for personalized medicine. Collection method: curation. Allele origin: germline. Affected: yes.
Comment: the same text as in the submission from ClinPGx above.

ClinPGx
Classification: drug response for isoflurane response - Toxicity. Last evaluated: 2021-03-24. Review status: reviewed by expert panel. Criteria: Pharmacogenomics knowledge for personalized medicine. Collection method: curation. Allele origin: germline. Affected: yes.
Comment: the same text as in the submission from ClinPGx above.

ClinPGx
Classification: drug response for methoxyflurane response - Toxicity. Last evaluated: 2021-03-24. Review status: reviewed by expert panel. Criteria: Pharmacogenomics knowledge for personalized medicine. Collection method: curation. Allele origin: germline. Affected: yes.
Comment: the same text as in the submission from ClinPGx above.

ClinPGx
Classification: drug response for sevoflurane response - Toxicity. Last evaluated: 2021-03-24. Review status: reviewed by expert panel. Criteria: Pharmacogenomics knowledge for personalized medicine. Collection method: curation. Allele origin: germline. Affected: yes.
Comment: the same text as in the submission from ClinPGx above.

ClinPGx
Classification: drug response for succinylcholine response - Toxicity. Last evaluated: 2021-03-24. Review status: reviewed by expert panel. Criteria: Pharmacogenomics knowledge for personalized medicine. Collection method: curation. Allele origin: germline. Affected: yes.
Comment: the same text as in the submission from ClinPGx above.

RYR1 database
No classification provided. Review status: no classification provided. Collection method: not provided. Allele origin: unknown. Not counted in ClinVar's aggregate classification.

Literature cited by the submitters: PubMed 14641996 (cited by ClinPGx); PubMed 24433488 (cited by ClinPGx).